The following is an entry in ClinVar:

NM_000637.5(GSR):c.943G>A (p.Gly315Ser)

Gene: GSR (glutathione-disulfide reductase; minus strand). Cytogenetic location: 8p12.
Variant type: single nucleotide variant.
Coding change: c.943G>A on transcript NM_000637.5 (MANE Select); coding-DNA position 943, G replaced by A.
Protein change: p.Gly315Ser; replaces glycine 315 with serine.
Molecular consequence: missense variant. On other transcripts: intron variant (2).
Genome position (GRCh38, 1-based): chr8:30,689,259, C>T on the plus strand (G>A on the coding strand, the complement: GSR is on the minus strand). VCF-style: chr8-30689259-C-T. GRCh37 (hg19) VCF-style: chr8-30546776-C-T.
Other names: p.Gly315Ser; c.856G>A, p.Gly286Ser (NM_001195102.3); c.796-5060G>A (NM_001195104.3); c.882+3710G>A (NM_001195103.3); short protein forms G286S, G315S.
Identifiers: ClinVar variation 2683005 (VCV002683005.5), dbSNP rs201798705, ClinGen allele CA4701332.
Genomic context (GRCh38, chr8:30,689,259, plus strand): 5'-GCCCAATGGCCCAGAGCAGGCAGTCAACATCTGGAATCATGGTCATGACTGGTAGCCTAC[C>T]GGGAACTGCAGTAACCATGCTGACTTCCAAGCCCGACAAAGTCTTTTTAACCTCCTTGAC-3'
Protein context (NP_000628.2, residues 305-325): LEVSMVTAVP[Gly315Ser]RLPVMTMIPD

ClinVar aggregate classification (germline): Conflicting classifications of pathogenicity. Review status: criteria provided, conflicting classifications (1 of 4 stars). 3 submissions from 3 submitters: Uncertain significance (1); Likely benign (2). Last evaluated 2025-05-08.

Conditions:
GSR-related disorder. Also called: GSR-related condition.

Allele frequency attached by ClinVar (database versions not stated): ESP Exome Variant Server 0.00008; TOPMed 0.00013; 1000 Genomes Project 30x 0.00016; 1000 Genomes Project 0.00020; gnomAD exomes 0.00035; ExAC 0.00064.
gnomAD v4.1: 591 of 1,613,724 alleles (0.037%); highest among the groups gnomAD compares: Non-Finnish European, 0.032%; no homozygotes.

Submissions (3):

PreventionGenetics, part of Exact Sciences
Classification: Likely benign for GSR-related condition. Last evaluated: 2025-05-08. Review status: criteria provided, single submitter. Criteria: ACMG Guidelines, 2015. Collection method: clinical testing. Allele origin: germline.
Comment: This variant is classified as likely benign based on ACMG/AMP sequence variant interpretation guidelines (Richards et al. 2015 PMID: 25741868, with internal and published modifications).

Labcorp Genetics (formerly Invitae), Labcorp
Classification: Likely benign. Last evaluated: 2023-05-22. Review status: criteria provided, single submitter. Criteria: Invitae Variant Classification Sherloc (09022015). Collection method: clinical testing. Allele origin: germline.

Mayo Clinic Laboratories, Mayo Clinic
Classification: Uncertain significance. Last evaluated: 2022-05-24. Review status: criteria provided, single submitter. Criteria: ACMG Guidelines, 2015. Collection method: clinical testing. Allele origin: germline. Observed: 2 variant alleles.
Comment: BP4